The following is an entry in ClinVar:

ClinVar aggregate classification (germline): Conflicting classifications of pathogenicity. Review status: criteria provided, conflicting classifications (1 of 4 stars). 3 submissions from 3 submitters: Uncertain significance (2); Likely benign (1). Last evaluated 2025-06-07.

Conditions:
Familial thoracic aortic aneurysm and aortic dissection (TAAD). Also called: Thoracic aortic aneurysms and dissections. Identifiers: Orphanet 91387, MedGen C4707243, MONDO:0019625.
Ehlers-Danlos syndrome, classic type, 1 (EDSCL1). Also called: Ehlers-Danlos syndrome, type 1; Ehlers-Danlos Syndrome, Classic Type, COL5A1-Related; EDS I; EHLERS-DANLOS SYNDROME, GRAVIS TYPE; EHLERS-DANLOS SYNDROME, SEVERE CLASSIC TYPE. Identifiers: MedGen C0268335, MONDO:0019567, OMIM 130000.

Allele frequency attached by ClinVar (database versions not stated): gnomAD exomes 0.00001; TOPMed 0.00001.
gnomAD v4.1: 8 of 1,614,238 alleles (0.0005%); highest among the groups gnomAD compares: Non-Finnish European, 0.00068%; no homozygotes.

Submissions (3):

Ambry Genetics
Classification: Uncertain significance for Familial thoracic aortic aneurysm and aortic dissection. Last evaluated: 2025-06-07. Review status: criteria provided, single submitter. Criteria: Ambry Variant Classification Scheme 2023. Collection method: clinical testing. Allele origin: germline.
Comment: The p.D337E variant (also known as c.1011C>G), located in coding exon 7 of the COL5A1 gene, results from a C to G substitution at nucleotide position 1011. The aspartic acid at codon 337 is replaced by glutamic acid, an amino acid with highly similar properties. This amino acid position is well conserved in available vertebrate species. In addition, this alteration is predicted to be tolerated by in silico analysis. Based on the available evidence, the clinical significance of this variant remains unclear.

Labcorp Genetics (formerly Invitae), Labcorp
Classification: Uncertain significance for Ehlers-Danlos syndrome, classic type, 1. Last evaluated: 2024-03-18. Review status: criteria provided, single submitter. Criteria: Invitae Variant Classification Sherloc (09022015). Collection method: clinical testing. Allele origin: germline.
Comment: This sequence change replaces aspartic acid, which is acidic and polar, with glutamic acid, which is acidic and polar, at codon 337 of the COL5A1 protein (p.Asp337Glu). This variant is not present in population databases (gnomAD no frequency). This variant has not been reported in the literature in individuals affected with COL5A1-related conditions. ClinVar contains an entry for this variant (Variation ID: 837546). Advanced modeling of protein sequence and biophysical properties (such as structural, functional, and spatial information, amino acid conservation, physicochemical variation, residue mobility, and thermodynamic stability) performed at Invitae indicates that this missense variant is not expected to disrupt COL5A1 protein function with a negative predictive value of 95%. In summary, the available evidence is currently insufficient to determine the role of this variant in disease. Therefore, it has been classified as a Variant of Uncertain Significance.

GeneDx
Classification: Likely benign. Last evaluated: 2019-05-22. Review status: criteria provided, single submitter. Criteria: GeneDx Variant Classification Process June 2021. Collection method: clinical testing. Allele origin: germline. Affected: yes.
Comment: Not observed in large population cohorts (Lek et al., 2016); In silico analysis, which includes protein predictors and evolutionary conservation, supports that this variant does not alter protein structure/function; Has not been previously published as pathogenic or benign to our knowledge; Not located in the triple helical region, where the majority of pathogenic missense variants occur (Symoens et al., 2012; Stenson et al., 2014)

NM_000093.5(COL5A1):c.1011C>G (p.Asp337Glu)

Gene: COL5A1 (collagen type V alpha 1 chain; plus strand). Cytogenetic location: 9q34.3.
Variant type: single nucleotide variant.
Coding change: c.1011C>G on transcript NM_000093.5 (MANE Select); coding-DNA position 1011, C replaced by G.
Protein change: p.Asp337Glu; replaces aspartic acid 337 with glutamic acid.
Molecular consequence: missense variant.
Genome position (GRCh38, 1-based): chr9:134,730,322, C>G. VCF-style: chr9-134730322-C-G. GRCh37 (hg19) VCF-style: chr9-137622168-C-G.
Other names: c.1011C>G, p.Asp337Glu (NM_001278074.1); short protein forms D337E.
Identifiers: ClinVar variation 837546 (VCV000837546.15), dbSNP rs1834832160, ClinGen allele CA375449428.